The following is an entry in ClinVar:

ClinVar aggregate classification (germline): Conflicting classifications of pathogenicity. Review status: criteria provided, conflicting classifications (1 of 4 stars). 2 submissions from 2 submitters: Uncertain significance (1); Likely benign (1). Last evaluated 2025-09-02.

Allele frequency attached by ClinVar (database versions not stated): TOPMed 0.00012; gnomAD exomes 0.00013; ExAC 0.00023; gnomAD 0.00004.
gnomAD v4.1: 84 of 1,613,418 alleles (0.0052%); highest among the groups gnomAD compares: Admixed American, 0.14%; no homozygotes.

Submissions (2):

Labcorp Genetics (formerly Invitae), Labcorp
Classification: Likely benign. Last evaluated: 2025-09-02. Review status: criteria provided, single submitter. Criteria: Invitae Variant Classification Sherloc (09022015). Collection method: clinical testing. Allele origin: germline.

GeneDx
Classification: Uncertain significance. Last evaluated: 2024-01-29. Review status: criteria provided, single submitter. Criteria: GeneDx Variant Classification Process June 2021. Collection method: clinical testing. Allele origin: germline. Affected: yes.
Comment: In silico analysis supports that this missense variant has a deleterious effect on protein structure/function; Has not been previously published as pathogenic or benign to our knowledge

NM_002941.4(ROBO1):c.4378C>A (p.Pro1460Thr)

Gene: ROBO1 (roundabout guidance receptor 1; minus strand). Cytogenetic location: 3p12.3.
Variant type: single nucleotide variant.
Coding change: c.4378C>A on transcript NM_002941.4 (MANE Select); coding-DNA position 4378, C replaced by A.
Protein change: p.Pro1460Thr; replaces proline 1460 with threonine.
Molecular consequence: missense variant.
Genome position (GRCh38, 1-based): chr3:78,614,705, G>T on the plus strand (C>A on the coding strand, the complement: ROBO1 is on the minus strand). VCF-style: chr3-78614705-G-T. GRCh37 (hg19) VCF-style: chr3-78663855-G-T.
Other names: c.4243C>A, p.Pro1415Thr (NM_001145844.1, NM_133631.4); c.4078C>A, p.Pro1360Thr (NM_001145845.2); short protein forms P1360T, P1415T, P1460T.
Identifiers: ClinVar variation 2572671 (VCV002572671.5), dbSNP rs768938856, ClinGen allele CA2498088.